The following is an entry in ClinVar:

NM_024685.4(BBS10):c.85G>T (p.Val29Leu)

Gene: BBS10 (Bardet-Biedl syndrome 10; minus strand). Cytogenetic location: 12q21.2.
Variant type: single nucleotide variant.
Coding change: c.85G>T on transcript NM_024685.4 (MANE Select); coding-DNA position 85, G replaced by T.
Protein change: p.Val29Leu; replaces valine 29 with leucine.
Molecular consequence: missense variant.
Genome position (GRCh38, 1-based): chr12:76,348,274, C>A on the plus strand (G>T on the coding strand, the complement: BBS10 is on the minus strand). VCF-style: chr12-76348274-C-A. GRCh37 (hg19) VCF-style: chr12-76742054-C-A.
Other names: short protein forms V29L.
Identifiers: ClinVar variation 1336406 (VCV001336406.7), dbSNP rs752267054, ClinGen allele CA6694429.
Genomic context (GRCh38, chr12:76,348,274, plus strand): 5'-GGCTGAGAAGCACCTCGCCAGTGGGCTTCGTACACAAAACTTGCCGTCCCTCGGGCCCCA[C>A]GCAGCAGCTCACGATGGCTTCCAGCACCTCGGCCACCTGCAACGCCGCCTTCACAGACCC-3'
Protein context (NP_078961.3, residues 19-39): EVLEAIVSCC[Val29Leu]GPEGRQVLCT

ClinVar aggregate classification (germline): Uncertain significance. Review status: criteria provided, multiple submitters, no conflicts (2 of 4 stars). 4 submissions from 4 submitters: Uncertain significance (3). 1 of the submissions does not count toward it. Last evaluated 2022-03-28.

Conditions:
Bardet-Biedl syndrome 10 (BBS10). Identifiers: Orphanet 110, MedGen C1859568, MONDO:0014438, OMIM 615987.
BBS10-related disorder. Also called: BBS10-related condition.

Allele frequency attached by ClinVar (database versions not stated): ExAC 0.00001; gnomAD exomes 0.00001.

Submissions (4):

Fulgent Genetics
Classification: Uncertain significance for Bardet-Biedl syndrome 10. Last evaluated: 2022-03-28. Review status: criteria provided, single submitter. Criteria: ACMG Guidelines, 2015. Collection method: clinical testing. Allele origin: unknown.

Genetic Services Laboratory, University of Chicago
Classification: Uncertain significance. Last evaluated: 2017-11-17. Review status: criteria provided, single submitter. Criteria: ACMG Guidelines, 2015. Collection method: clinical testing. Allele origin: germline. Affected: no.

Blueprint Genetics
Classification: Uncertain significance. Last evaluated: 2017-07-24. Review status: criteria provided, single submitter. Criteria: ACMG Guidelines, 2015. Collection method: clinical testing. Allele origin: germline.

PreventionGenetics, part of Exact Sciences
Classification: Uncertain significance for BBS10-related condition. Last evaluated: 2024-05-08. Review status: no assertion criteria provided. Collection method: clinical testing. Allele origin: germline. Not counted in ClinVar's aggregate classification.
Comment: The BBS10 c.85G>T variant is predicted to result in the amino acid substitution p.Val29Leu. To our knowledge, this variant has not been reported in the literature. This variant is reported in 0.0018% of alleles in individuals of European (Non-Finnish) descent in gnomAD. At this time, the clinical significance of this variant is uncertain due to the absence of conclusive functional and genetic evidence.